The following is an entry in ClinVar:

ClinVar aggregate classification (germline): Likely pathogenic (1 of 4 stars; one submission).

Conditions:
Galactosylceramide beta-galactosidase deficiency. Also called: GALACTOCEREBROSIDASE DEFICIENCY; GALC DEFICIENCY; GLOBOID CELL LEUKOENCEPHALOPATHY; Leukodystrophy, Globoid Cell; Krabbe Disease. Identifiers: Orphanet 487, MedGen C0023521, MONDO:0009499, OMIM 245200.

Submission:

Labcorp Genetics (formerly Invitae), Labcorp
Classification: Likely pathogenic for Galactosylceramide beta-galactosidase deficiency. Last evaluated: 2021-02-15. Review status: criteria provided, single submitter. Criteria: Invitae Variant Classification Sherloc (09022015). Collection method: clinical testing. Allele origin: germline.
Comment: This variant has not been reported in the literature in individuals with GALC-related conditions. In summary, the currently available evidence indicates that the variant is pathogenic, but additional data are needed to prove that conclusively. Therefore, this variant has been classified as Likely Pathogenic. Algorithms developed to predict the effect of sequence changes on RNA splicing suggest that this variant may disrupt the consensus splice site, but this prediction has not been confirmed by published transcriptional studies. This variant is not present in population databases (ExAC no frequency). This sequence change affects a donor splice site in intron 14 of the GALC gene. It is expected to disrupt RNA splicing. Variants that disrupt the donor or acceptor splice site typically lead to a loss of protein function (PMID: 16199547), and loss-of-function variants in GALC are known to be pathogenic (PMID: 7437911, 9272171, 16607461).

Literature cited by the submitters: PubMed 16199547; PubMed 7437911; PubMed 9272171; PubMed 16607461.

NM_000153.4(GALC):c.1670+1G>T

Gene: GALC (galactosylceramidase; minus strand). Cytogenetic location: 14q31.3.
Variant type: single nucleotide variant.
Coding change: c.1670+1G>T on transcript NM_000153.4 (MANE Select); the canonical splice donor site of the intron after coding-DNA position 1670, G replaced by T.
Molecular consequence: splice donor variant.
Genome position (GRCh38, 1-based): chr14:87,945,552, C>A on the plus strand (G>T on the coding strand, the complement: GALC is on the minus strand). VCF-style: chr14-87945552-C-A. GRCh37 (hg19) VCF-style: chr14-88411896-C-A.
Other names: c.1592+1G>T (NM_001201402.2); c.1601+1G>T (NM_001201401.2).
Identifiers: ClinVar variation 1508149 (VCV001508149.8), dbSNP rs749597090, ClinGen allele CA390745940.
Genomic context (GRCh38, chr14:87,945,552, plus strand): 5'-TGTACCTGACAATATTACAAGGGTATTTCAGCCAGATCCACATTGAGAACATCAATCTTA[C>A]CAGTTGTAGTCTCCTATAATACTGATTGTGTTGGATGCATCGGCAGCCCATGTAATGGGT-3'